The following is an entry in ClinVar:

NM_012186.3(FOXE3):c.174C>G (p.Gly58=)

Genes: FOXE3 (forkhead box E3; plus strand), LINC01389 (long intergenic non-protein coding RNA 1389; minus strand). Cytogenetic location: 1p33.
Variant type: single nucleotide variant.
Coding change: c.174C>G on transcript NM_012186.3 (MANE Select); coding-DNA position 174, C replaced by G.
Protein change: p.Gly58=; no amino-acid change (glycine 58 retained).
Molecular consequence: synonymous variant.
Genome position (GRCh38, 1-based): chr1:47,416,489, C>G. VCF-style: chr1-47416489-C-G. GRCh37 (hg19) VCF-style: chr1-47882161-C-G.
Identifiers: ClinVar variation 1779357 (VCV001779357.4), dbSNP rs2521316150, ClinGen allele CA417892165.

ClinVar aggregate classification (germline): Likely benign. Review status: criteria provided, single submitter (1 of 4 stars). 2 submissions from 2 submitters: Likely benign (1). 1 of the submissions does not count toward it. Last evaluated 2019-05-02.

Conditions:
FOXE3-related disorder. Also called: FOXE3-related condition.
Cardiovascular phenotype. Identifiers: MedGen CN230736.

Submissions (2):

Ambry Genetics
Classification: Likely benign for Cardiovascular phenotype. Last evaluated: 2019-05-02. Review status: criteria provided, single submitter. Criteria: Ambry Variant Classification Scheme 2023. Collection method: clinical testing. Allele origin: germline.

PreventionGenetics, part of Exact Sciences
Classification: Likely benign for FOXE3-related condition. Last evaluated: 2021-03-15. Review status: no assertion criteria provided. Collection method: clinical testing. Allele origin: germline. Not counted in ClinVar's aggregate classification.
Comment: This variant is classified as likely benign based on ACMG/AMP sequence variant interpretation guidelines (Richards et al. 2015 PMID: 25741868, with internal and published modifications).